The following is an entry in ClinVar:

ClinVar aggregate classification (germline): Likely pathogenic (1 of 4 stars; one submission).

Conditions:
Hereditary cancer-predisposing syndrome. Also called: Neoplastic Syndromes, Hereditary; Tumor predisposition; Hereditary neoplastic syndrome; Hereditary Cancer Syndrome. Identifiers: Orphanet 140162, MedGen C0027672, MeSH D009386, MONDO:0015356.

Submission:

Ambry Genetics
Classification: Likely pathogenic for Hereditary cancer-predisposing syndrome. Last evaluated: 2023-09-15. Review status: criteria provided, single submitter. Criteria: Ambry Variant Classification Scheme 2023. Collection method: clinical testing. Allele origin: germline.
Comment: The p.L1332* variant (also known as c.3995T>A), located in coding exon 9 of the MSH6 gene, results from a T to A substitution at nucleotide position 3995. This changes the amino acid from a leucine to a stop codon within coding exon 9. This alteration occurs at the 3' terminus of theMSH6 gene, is not expected to trigger nonsense-mediated mRNA decay, and only impacts the last 30 amino acids of the protein. However, premature stop codons are typically deleterious in nature and the impacted region is critical for protein function (Ambry internal data). This alteration has been observed in at least one individual with a personal and/or family history that is consistent with MSH6-related disease (Ambry internal data). This variant is considered to be rare based on population cohorts in the Genome Aggregation Database (gnomAD). Based on the majority of available evidence to date, this variant is likely to be pathogenic.

NM_000179.3(MSH6):c.3995T>A (p.Leu1332Ter)

Gene: MSH6 (mutS homolog 6; plus strand). Cytogenetic location: 2p16.3.
Variant type: single nucleotide variant.
Coding change: c.3995T>A on transcript NM_000179.3 (MANE Select); coding-DNA position 3995, T replaced by A.
Protein change: p.Leu1332Ter; replaces leucine 1332 with a stop codon.
Molecular consequence: nonsense. On other transcripts: 3 prime UTR variant (1), non-coding transcript variant (5), intron variant (1).
Genome position (GRCh38, 1-based): chr2:47,806,645, T>A. VCF-style: chr2-47806645-T-A. GRCh37 (hg19) VCF-style: chr2-48033784-T-A.
Other names: c.3605T>A, p.Leu1202Ter (NM_001281492.2); c.3089T>A, p.Leu1030Ter (NM_001281493.2, NM_001281494.2, NM_001406811.1 and 6 more transcripts); c.4091T>A, p.Leu1364Ter (NM_001406795.1); c.3995T>A, p.Leu1332Ter (NM_001406796.1, NM_001406808.1, NM_001406809.1); c.3698T>A, p.Leu1233Ter (NM_001406797.1, NM_001406801.1, NM_001406805.1 and 10 more transcripts); c.3821T>A, p.Leu1274Ter (NM_001406798.1); c.3470T>A, p.Leu1157Ter (NM_001406799.1, NM_001406806.1, NM_001406807.1); c.*16T>A (NM_001406800.1); and 9 more; short protein forms L1030*, L1044*, L1157*, L1202*, L1233*, L1274*, L1276*, L1306*.
Identifiers: ClinVar variation 3230576 (VCV003230576.1), dbSNP rs2104568015, ClinGen allele CA346761596.
Genomic context (GRCh38, chr2:47,806,645, plus strand): 5'-TTATTCAAAAGGGACATAGAAAAGCAAGAGAATTTGAGAAGATGAATCAGTCACTACGAT[T>A]ATTTCGGTAACTAACTAACTATAATGGAATTATAACTAACTGACCTTAAGTTTCAAAGAA-3'